The following is an entry in ClinVar:

ClinVar aggregate classification (germline): Uncertain significance (1 of 4 stars; one submission).

Conditions:
Glycine encephalopathy. Also called: Nonketotic hyperglycinemia; Non-ketotic hyperglycinemia. Identifiers: Orphanet 407, MedGen C0751748, MONDO:0011612, HP:0008288.

Allele frequency attached by ClinVar (database versions not stated): TOPMed below 0.00001.

Submission:

Labcorp Genetics (formerly Invitae), Labcorp
Classification: Uncertain significance for Glycine encephalopathy. Last evaluated: 2022-05-10. Review status: criteria provided, single submitter. Criteria: Invitae Variant Classification Sherloc (09022015). Collection method: clinical testing. Allele origin: germline.
Comment: In summary, the available evidence is currently insufficient to determine the role of this variant in disease. Therefore, it has been classified as a Variant of Uncertain Significance. Algorithms developed to predict the effect of missense changes on protein structure and function are either unavailable or do not agree on the potential impact of this missense change (SIFT: "Tolerated"; PolyPhen-2: "Possibly Damaging"; Align-GVGD: "Class C0"). This variant has not been reported in the literature in individuals affected with GLDC-related conditions. This variant is not present in population databases (gnomAD no frequency). This sequence change replaces histidine, which is basic and polar, with glutamine, which is neutral and polar, at codon 522 of the GLDC protein (p.His522Gln).

NM_000170.3(GLDC):c.1566T>A (p.His522Gln)

Gene: GLDC (glycine decarboxylase; minus strand). Cytogenetic location: 9p24.1.
Variant type: single nucleotide variant.
Coding change: c.1566T>A on transcript NM_000170.3 (MANE Select); coding-DNA position 1566, T replaced by A.
Protein change: p.His522Gln; replaces histidine 522 with glutamine.
Molecular consequence: missense variant.
Genome position (GRCh38, 1-based): chr9:6,589,209, A>T on the plus strand (T>A on the coding strand, the complement: GLDC is on the minus strand). VCF-style: chr9-6589209-A-T. GRCh37 (hg19) VCF-style: chr9-6589209-A-T.
Other names: short protein forms H522Q.
Identifiers: ClinVar variation 2198322 (VCV002198322.4), dbSNP rs1818328636, ClinGen allele CA372893234.
Genomic context (GRCh38, chr9:6,589,209, plus strand): 5'-TGATTACCAAAGCACAAAACGCAGAAGTCACACAAGACACACAAACCTGTTGAACACTTG[A>T]TGGGTGAGGAACGGGCTGGTCCTCTTGAACACAGACCCTGGAATACCTCTGCACTCCTCT-3'
Protein context (NP_000161.2, residues 512-532): VFKRTSPFLT[His522Gln]QVFNSYHSET